The following is an entry in ClinVar:

ClinVar aggregate classification (germline): Uncertain significance. Review status: criteria provided, multiple submitters, no conflicts (2 of 4 stars). 2 submissions from 2 submitters: Uncertain significance (2). Last evaluated 2024-04-17.

Conditions:
Cardiovascular phenotype. Identifiers: MedGen CN230736.
Arrhythmogenic cardiomyopathy with wooly hair and keratoderma. Also called: Carvajal syndrome; PALMOPLANTAR KERATODERMA WITH LEFT VENTRICULAR CARDIOMYOPATHY AND WOOLLY HAIR; Dilated cardiomyopathy with woolly hair and keratoderma; Arrhythmogenic cardiomyopathy with woolly hair and keratoderma. Identifiers: Orphanet 65282, MedGen C1854063, MONDO:0011581, OMIM 605676.
Arrhythmogenic right ventricular dysplasia 8 (ARVD8). Also called: ARRHYTHMOGENIC RIGHT VENTRICULAR CARDIOMYOPATHY 8; ARRHYTHMOGENIC RIGHT VENTRICULAR DYSPLASIA, FAMILIAL, 8; Arrhythmogenic Right Ventricular Dysplasia/Cardiomyopathy 8. Identifiers: MedGen C1843896, MONDO:0011831, OMIM 607450.

Submissions (2):

Ambry Genetics
Classification: Uncertain significance for Cardiovascular phenotype. Last evaluated: 2024-04-17. Review status: criteria provided, single submitter. Criteria: Ambry Variant Classification Scheme 2023. Collection method: clinical testing. Allele origin: germline.

Labcorp Genetics (formerly Invitae), Labcorp
Classification: Uncertain significance for Arrhythmogenic cardiomyopathy with wooly hair and keratoderma; Arrhythmogenic right ventricular dysplasia 8. Last evaluated: 2022-08-21. Review status: criteria provided, single submitter. Criteria: Invitae Variant Classification Sherloc (09022015). Collection method: clinical testing. Allele origin: germline.
Comment: In summary, the available evidence is currently insufficient to determine the role of this variant in disease. Therefore, it has been classified as a Variant of Uncertain Significance. Algorithms developed to predict the effect of missense changes on protein structure and function output the following: SIFT: "Tolerated"; PolyPhen-2: "Benign"; Align-GVGD: "Class C0". The serine amino acid residue is found in multiple mammalian species, which suggests that this missense change does not adversely affect protein function. This sequence change replaces threonine, which is neutral and polar, with serine, which is neutral and polar, at codon 1613 of the DSP protein (p.Thr1613Ser). This variant is not present in population databases (gnomAD no frequency). This variant has not been reported in the literature in individuals affected with DSP-related conditions.

NM_004415.4(DSP):c.4837A>T (p.Thr1613Ser)

Gene: DSP (desmoplakin; plus strand). Cytogenetic location: 6p24.3.
Variant type: single nucleotide variant.
Coding change: c.4837A>T on transcript NM_004415.4 (MANE Select); coding-DNA position 4837, A replaced by T.
Protein change: p.Thr1613Ser; replaces threonine 1613 with serine.
Molecular consequence: missense variant. On other transcripts: intron variant (2).
Genome position (GRCh38, 1-based): chr6:7,581,027, A>T. VCF-style: chr6-7581027-A-T. GRCh37 (hg19) VCF-style: chr6-7581260-A-T.
Other names: c.4050+787A>T (NM_001319034.2); c.3582+1255A>T (NM_001008844.3); short protein forms T1613S.
Identifiers: ClinVar variation 1914991 (VCV001914991.8), dbSNP rs2533930511, ClinGen allele CA362687267.